The following is an entry in ClinVar:

NM_000479.5(AMH):c.949C>T (p.Pro317Ser)

Gene: AMH (anti-Mullerian hormone; plus strand). Cytogenetic location: 19p13.3.
Variant type: single nucleotide variant.
Coding change: c.949C>T on transcript NM_000479.5 (MANE Select); coding-DNA position 949, C replaced by T.
Protein change: p.Pro317Ser; replaces proline 317 with serine.
Molecular consequence: missense variant.
Genome position (GRCh38, 1-based): chr19:2,251,223, C>T. VCF-style: chr19-2251223-C-T. GRCh37 (hg19) VCF-style: chr19-2251222-C-T.
Other names: short protein forms P317S.
Identifiers: ClinVar variation 4808397 (VCV004808397.1).

ClinVar aggregate classification (germline): Uncertain significance (1 of 4 stars; one submission).

Submission:

Labcorp Genetics (formerly Invitae), Labcorp
Classification: Uncertain significance. Last evaluated: 2025-05-12. Review status: criteria provided, single submitter. Criteria: Invitae Variant Classification Sherloc (09022015). Collection method: clinical testing. Allele origin: germline.
Comment: This sequence change replaces proline, which is neutral and non-polar, with serine, which is neutral and polar, at codon 317 of the AMH protein (p.Pro317Ser). This variant is not present in population databases (gnomAD no frequency). This variant has not been reported in the literature in individuals affected with AMH-related conditions. An algorithm developed to predict the effect of missense changes on protein structure and function (PolyPhen-2) suggests that this variant is likely to be disruptive. In summary, the available evidence is currently insufficient to determine the role of this variant in disease. Therefore, it has been classified as a Variant of Uncertain Significance.